The following is an entry in ClinVar:

NM_014319.5(LEMD3):c.536C>A (p.Ala179Asp)

Gene: LEMD3 (LEM domain containing 3; plus strand). Cytogenetic location: 12q14.3.
Variant type: single nucleotide variant.
Coding change: c.536C>A on transcript NM_014319.5 (MANE Select); coding-DNA position 536, C replaced by A.
Protein change: p.Ala179Asp; replaces alanine 179 with aspartic acid.
Molecular consequence: missense variant.
Genome position (GRCh38, 1-based): chr12:65,170,132, C>A. VCF-style: chr12-65170132-C-A. GRCh37 (hg19) VCF-style: chr12-65563912-C-A.
Other names: c.536C>A (NM_014319.4); c.536C>A, p.Ala179Asp (NM_001167614.2); short protein forms A179D.
Identifiers: ClinVar variation 1363865 (VCV001363865.7), dbSNP rs1868473928, ClinGen allele CA385673422.

ClinVar aggregate classification (germline): Uncertain significance. Review status: criteria provided, multiple submitters, no conflicts (2 of 4 stars). 2 submissions from 2 submitters: Uncertain significance (2). Last evaluated 2025-08-14.

Conditions:
Inborn genetic diseases. Identifiers: MedGen C0950123, MeSH D030342.

Allele frequency attached by ClinVar (database versions not stated): TOPMed below 0.00001; gnomAD 0.00001.
gnomAD v4.1: 16 of 1,464,786 alleles (0.0011%); highest among the groups gnomAD compares: Non-Finnish European, 0.0014%; no homozygotes.

Submissions (2):

Ambry Genetics
Classification: Uncertain significance for Inborn genetic diseases. Last evaluated: 2025-08-14. Review status: criteria provided, single submitter. Criteria: Ambry Variant Classification Scheme 2023. Collection method: clinical testing. Allele origin: germline.

Labcorp Genetics (formerly Invitae), Labcorp
Classification: Uncertain significance. Last evaluated: 2024-08-15. Review status: criteria provided, single submitter. Criteria: Invitae Variant Classification Sherloc (09022015). Collection method: clinical testing. Allele origin: germline.
Comment: This sequence change replaces alanine, which is neutral and non-polar, with aspartic acid, which is acidic and polar, at codon 179 of the LEMD3 protein (p.Ala179Asp). This variant is not present in population databases (gnomAD no frequency). This variant has not been reported in the literature in individuals affected with LEMD3-related conditions. ClinVar contains an entry for this variant (Variation ID: 1363865). Invitae Evidence Modeling of protein sequence and biophysical properties (such as structural, functional, and spatial information, amino acid conservation, physicochemical variation, residue mobility, and thermodynamic stability) indicates that this missense variant is not expected to disrupt LEMD3 protein function with a negative predictive value of 80%. In summary, the available evidence is currently insufficient to determine the role of this variant in disease. Therefore, it has been classified as a Variant of Uncertain Significance.